The following is an entry in ClinVar:

NM_139027.6(ADAMTS13):c.854del (p.Pro285fs)

Gene: ADAMTS13 (ADAM metallopeptidase with thrombospondin type 1 motif 13; plus strand). Cytogenetic location: 9q34.2.
Variant type: Deletion.
Coding change: c.854del on transcript NM_139027.6 (MANE Select); coding-DNA position 854, one base deleted (C; older notation c.854delC).
Protein change: p.Pro285fs; shifts the reading frame from proline 285.
Molecular consequence: frameshift variant. On other transcripts: intron variant (1).
Genome position (GRCh38, 1-based): chr9:133,429,968, C deleted; the last of 3 consecutive C bases (chr9:133,429,966-133,429,968); deleting any one gives the same sequence. VCF-style (leftmost placement, unchanged base first): chr9-133429965-AC-A. GRCh37 (hg19) VCF-style: chr9-136295085-AC-A.
Other names: p.Pro285ArgfsTer93; c.854del, p.Pro285fs (NM_139025.5); c.825-64del (NM_139026.6); short protein forms P285fs.
Identifiers: ClinVar variation 5010299 (VCV005010299.1).

ClinVar aggregate classification (germline): Likely pathogenic (1 of 4 stars; one submission).

Conditions:
Upshaw-Schulman syndrome (TTP). Also called: THROMBOTIC THROMBOCYTOPENIC PURPURA, HEREDITARY; Congenital thrombotic thrombocytopenic purpura. Identifiers: Orphanet 93583, MedGen C1268935, MONDO:0010122, OMIM 274150.

Submission:

Department of Molecular Genetics, Istishari Arab Hospital
Classification: Likely pathogenic for Upshaw-Schulman syndrome. Last evaluated: 2026-09-28. Review status: criteria provided, single submitter. Criteria: ACMG Guidelines, 2015. Collection method: clinical testing. Allele origin: germline. Inheritance: Autosomal recessive inheritance. Affected: yes.
Comment: The ADAMTS13 variant c.854del, p.Pro285ArgfsTer93 creates a shift in the reading frame at position 285 in exon no. 8 (of 29), resulting in a premature stop codon 93 codons downstream. The variant is not observed in the gnomAD v4.1.0 dataset, and to the best of our knowledge, it was not previously reported in the literature. As loss of function is a known mechanism of the disease, this variant is classified as likely pathogenic according to the recommendations of ACMG/AMP/ClinGen SVI guidelines.